The following is an entry in ClinVar:

NM_152564.5(VPS13B):c.10148C>A (p.Ser3383Ter)

Gene: VPS13B (vacuolar protein sorting 13 homolog B; plus strand). Cytogenetic location: 8q22.2.
Variant type: single nucleotide variant.
Coding change: c.10148C>A on transcript NM_152564.5 (MANE Select); coding-DNA position 10148, C replaced by A.
Protein change: p.Ser3383Ter; replaces serine 3383 with a stop codon.
Molecular consequence: nonsense.
Genome position (GRCh38, 1-based): chr8:99,853,537, C>A. VCF-style: chr8-99853537-C-A. GRCh37 (hg19) VCF-style: chr8-100865765-C-A.
Other names: c.10223C>A, p.Ser3408Ter (NM_017890.5); short protein forms S3383*, S3408*.
Identifiers: ClinVar variation 5011600 (VCV005011600.1).

ClinVar aggregate classification (germline): Pathogenic (1 of 4 stars; one submission).

Conditions:
Cohen syndrome (COH1). Also called: PEPPER SYNDROME; Cutis verticis gyrata, retinitis pigmentosa, and sensorineural deafness. Identifiers: Orphanet 193, MedGen C0265223, MONDO:0008999, OMIM 216550.

Submission:

Myriad Genetics, Inc.
Classification: Pathogenic for Cohen syndrome. Last evaluated: 2023-09-08. Review status: criteria provided, single submitter. Criteria: Myriad Autosomal Dominant, Autosomal Recessive and X-Linked Classification Criteria (2023). Collection method: clinical testing. Allele origin: unknown.
Comment: NM_017890.4(VPS13B):c.10223C>A(S3408*) is expected to be pathogenic in the context of Cohen syndrome. This variant is predicted to lead to an abnormal or absent protein product due to the creation of a premature termination codon in VPS13B, a gene where loss-of-function variants are known to be pathogenic. Please note: this variant was assessed in the context of healthy population screening.